The following is an entry in ClinVar:

ClinVar aggregate classification (germline): Uncertain significance. Review status: criteria provided, multiple submitters, no conflicts (2 of 4 stars). 2 submissions from 2 submitters: Uncertain significance (2). Last evaluated 2024-09-17.

Conditions:
Hereditary cancer-predisposing syndrome. Also called: Neoplastic Syndromes, Hereditary; Tumor predisposition; Hereditary Cancer Syndrome; Hereditary neoplastic syndrome. Identifiers: Orphanet 140162, MedGen C0027672, MeSH D009386, MONDO:0015356.
Familial cancer of breast. Also called: BREAST CANCER, FAMILIAL; Hereditary breast cancer; hereditary breast carcinoma. Identifiers: Orphanet 227535, MedGen C0346153, MONDO:0016419, OMIM 114480. Disease mechanism: loss of function.

Submissions (2):

Labcorp Genetics (formerly Invitae), Labcorp
Classification: Uncertain significance for Familial cancer of breast. Last evaluated: 2024-09-17. Review status: criteria provided, single submitter. Criteria: Invitae Variant Classification Sherloc (09022015). Collection method: clinical testing. Allele origin: germline.
Comment: This sequence change replaces alanine, which is neutral and non-polar, with proline, which is neutral and non-polar, at codon 392 of the CHEK2 protein (p.Ala392Pro). This variant is not present in population databases (gnomAD no frequency). This variant has not been reported in the literature in individuals affected with CHEK2-related conditions. ClinVar contains an entry for this variant (Variation ID: 142022). An algorithm developed to predict the effect of missense changes on protein structure and function (PolyPhen-2) suggests that this variant is likely to be disruptive. In summary, the available evidence is currently insufficient to determine the role of this variant in disease. Therefore, it has been classified as a Variant of Uncertain Significance.

Ambry Genetics
Classification: Uncertain significance for Hereditary cancer-predisposing syndrome. Last evaluated: 2013-10-07. Review status: criteria provided, single submitter. Criteria: Ambry Autosomal Dominant and X-Linked criteria (10/2015). Collection method: clinical testing. Allele origin: germline. Observed: 1 variant allele.
Comment: Ã¢â‚¬â€¹The p.A392P variant (also known as c.1174G>C) is located in coding exon 10 of the CHEK2 gene. This alteration results from a G to C substitution at nucleotide position 1174. The alanine at codon 392 is replaced by proline, an amino acid with similar properties. This variant was not reported in population-based cohorts in the following databases: Database of Single Nucleotide Polymorphisms (dbSNP), NHLBI Exome Sequencing Project (ESP) and 1000 Genomes Project. To date, this alteration has been detected with an allele frequency of approximately 0.01% (greater than 8000 alleles tested) in our clinical cohort (includes this individual). Based on protein sequence alignment, this amino acid position is completely conserved in available vertebrate species. In addition, the in silico prediction for this alteration is inconclusive. Since supporting evidence is limited at this time, the clinical significance of p.A392P remains unclear.

NM_007194.4(CHEK2):c.1174G>C (p.Ala392Pro)

Gene: CHEK2 (checkpoint kinase 2; minus strand). Cytogenetic location: 22q12.1.
Variant type: single nucleotide variant.
Coding change: c.1174G>C on transcript NM_007194.4 (MANE Select); coding-DNA position 1174, G replaced by C.
Protein change: p.Ala392Pro; replaces alanine 392 with proline.
Molecular consequence: missense variant.
Genome position (GRCh38, 1-based): chr22:28,695,795, C>G on the plus strand (G>C on the coding strand, the complement: CHEK2 is on the minus strand). VCF-style: chr22-28695795-C-G. GRCh37 (hg19) VCF-style: chr22-29091783-C-G.
Other names: c.1303G>C, p.Ala435Pro (NM_001005735.3); c.511G>C, p.Ala171Pro (NM_001257387.3); c.973G>C, p.Ala325Pro (NM_001349956.3); c.1087G>C, p.Ala363Pro (NM_145862.3); short protein forms A392P, A325P, A363P, A171P, A435P.
Identifiers: ClinVar variation 142022 (VCV000142022.5), dbSNP rs587782184, ClinGen allele CA167159.